The following is an entry in ClinVar:

ClinVar aggregate classification (germline): Likely benign. Review status: criteria provided, multiple submitters, no conflicts (2 of 4 stars). 5 submissions from 5 submitters: Likely benign (4). 1 of the submissions does not count toward it. Last evaluated 2026-01-15.

Conditions:
ANKRD11-related disorder. Also called: ANKRD11-related condition.
KBG syndrome (KBGS). Also called: ANKRD11-Related KBG Syndrome. Identifiers: Orphanet 2332, MedGen C0220687, MONDO:0007846, OMIM 148050.
Inborn genetic diseases. Identifiers: MedGen C0950123, MeSH D030342.

Allele frequency attached by ClinVar (database versions not stated): ExAC 0.00010; 1000 Genomes Project 0.00020; TOPMed 0.00023; gnomAD 0.00026 and 0.00027; 1000 Genomes Project 30x 0.00031.
gnomAD v4.1: 195 of 1,609,180 alleles (0.012%); highest among the groups gnomAD compares: East Asian, 0.06%; 13 homozygotes.

Submissions (5):

Labcorp Genetics (formerly Invitae), Labcorp
Classification: Likely benign for KBG syndrome. Last evaluated: 2026-01-15. Review status: criteria provided, single submitter. Criteria: Invitae Variant Classification Sherloc (09022015). Collection method: clinical testing. Allele origin: germline.

Blueprint Genetics
Classification: Likely benign. Last evaluated: 2024-11-27. Review status: criteria provided, single submitter. Criteria: ACMG Guidelines, 2015. Collection method: clinical testing. Allele origin: germline.

GeneDx
Classification: Likely benign. Last evaluated: 2020-06-18. Review status: criteria provided, single submitter. Criteria: GeneDx Variant Classification Process June 2021. Collection method: clinical testing. Allele origin: germline. Affected: yes.

Ambry Genetics
Classification: Likely benign for Inborn genetic diseases. Last evaluated: 2017-03-21. Review status: criteria provided, single submitter. Criteria: Ambry Variant Classification Scheme 2023. Collection method: clinical testing. Allele origin: germline.

PreventionGenetics, part of Exact Sciences
Classification: Likely benign for ANKRD11-related condition. Last evaluated: 2019-10-04. Review status: no assertion criteria provided. Collection method: clinical testing. Allele origin: germline. Not counted in ClinVar's aggregate classification.
Comment: This variant is classified as likely benign based on ACMG/AMP sequence variant interpretation guidelines (Richards et al. 2015 PMID: 25741868, with internal and published modifications).

NM_013275.6(ANKRD11):c.6366C>T (p.Asp2122=)

Gene: ANKRD11 (ankyrin repeat domain 11; minus strand). Cytogenetic location: 16q24.3.
Variant type: single nucleotide variant.
Coding change: c.6366C>T on transcript NM_013275.6 (MANE Select); coding-DNA position 6366, C replaced by T.
Protein change: p.Asp2122=; no amino-acid change (aspartic acid 2122 retained).
Molecular consequence: synonymous variant.
Genome position (GRCh38, 1-based): chr16:89,280,176, G>A on the plus strand (C>T on the coding strand, the complement: ANKRD11 is on the minus strand). VCF-style: chr16-89280176-G-A. GRCh37 (hg19) VCF-style: chr16-89346584-G-A.
Other names: c.6366C>T, p.Asp2122= (NM_001256182.2, NM_001256183.2).
Identifiers: ClinVar variation 587872 (VCV000587872.20), dbSNP rs202049186, ClinGen allele CA8241480.
Genomic context (GRCh38, chr16:89,280,176, plus strand): 5'-GGGAAGCTCCGGCAGGGAGAAGGGCCCCAGGTCCAGGTCGTCCTCGGGGCCGGCGAAGGC[G>A]TCCGCCCAGGGCACCGGCTCCACCTGGCCGAGGTGAGACAGGCCGCGGCTGCCGTCCAGG-3'
Protein context (NP_037407.4, residues 2112-2132): LGQVEPVPWA[Asp2122=]AFAGPEDDLD